The following is an entry in ClinVar:

ClinVar aggregate classification (germline): Conflicting classifications of pathogenicity. Review status: criteria provided, conflicting classifications (1 of 4 stars). 4 submissions from 4 submitters: Uncertain significance (3); Likely benign (1). Last evaluated 2026-01-11.

Conditions:
Hereditary cancer-predisposing syndrome. Also called: Tumor predisposition; Neoplastic Syndromes, Hereditary; Hereditary neoplastic syndrome; Hereditary Cancer Syndrome. Identifiers: Orphanet 140162, MedGen C0027672, MeSH D009386, MONDO:0015356.
Hereditary breast ovarian cancer syndrome. Also called: Breast and ovarian cancer; BRCA1- and BRCA2-Associated Hereditary Breast and Ovarian Cancer; Hereditary breast and ovarian cancer syndrome (HBOC); Hereditary breast and ovarian cancer; Hereditary breast and/or ovarian cancer syndrome; Hereditary breast and ovarian cancer syndrome. Identifiers: Orphanet 145, MedGen C0677776, MeSH D061325, MONDO:0003582. Disease mechanism: loss of function.

Allele frequency attached by ClinVar (database versions not stated): TOPMed below 0.00001; gnomAD 0.00001.

Submissions (4):

Labcorp Genetics (formerly Invitae), Labcorp
Classification: Uncertain significance for Hereditary breast ovarian cancer syndrome. Last evaluated: 2026-01-11. Review status: criteria provided, single submitter. Criteria: Invitae Variant Classification Sherloc (09022015). Collection method: clinical testing. Allele origin: germline.
Comment: This sequence change replaces aspartic acid, which is acidic and polar, with asparagine, which is neutral and polar, at codon 1131 of the BRCA1 protein (p.Asp1131Asn). This variant is not present in population databases (gnomAD no frequency). This variant has not been reported in the literature in individuals affected with BRCA1-related conditions. ClinVar contains an entry for this variant (Variation ID: 496366). Invitae Evidence Modeling of protein sequence and biophysical properties (such as structural, functional, and spatial information, amino acid conservation, physicochemical variation, residue mobility, and thermodynamic stability) indicates that this missense variant is not expected to disrupt BRCA1 protein function with a negative predictive value of 80%. In summary, the available evidence is currently insufficient to determine the role of this variant in disease. Therefore, it has been classified as a Variant of Uncertain Significance.

Ambry Genetics
Classification: Uncertain significance for Hereditary cancer-predisposing syndrome. Last evaluated: 2023-10-31. Review status: criteria provided, single submitter. Criteria: Ambry Variant Classification Scheme 2023. Collection method: clinical testing. Allele origin: germline.
Comment: The p.D1131N variant (also known as c.3391G>A), located in coding exon 9 of the BRCA1 gene, results from a G to A substitution at nucleotide position 3391. The aspartic acid at codon 1131 is replaced by asparagine, an amino acid with highly similar properties. This amino acid position is conserved. In addition, the in silico prediction for this alteration is inconclusive. Since supporting evidence is limited at this time, the clinical significance of this alteration remains unclear.

University of Washington Department of Laboratory Medicine, University of Washington
Classification: Likely benign for Hereditary cancer-predisposing syndrome. Last evaluated: 2023-03-23. Review status: criteria provided, single submitter. Criteria: Dines et al. (Genet Med. 2020). Collection method: curation. Allele origin: germline.
Comment: Missense variant in a coldspot region where missense variants are very unlikely to be pathogenic (PMID:31911673).

BRCA1 coldspot (exon 11 using historical exon numbering). Reclassification based on statistical prior probability

Women's Health and Genetics/Laboratory Corporation of America, LabCorp
Classification: Uncertain significance. Last evaluated: 2016-03-10. Review status: criteria provided, single submitter. Criteria: LabCorp Variant Classification Summary - May 2015. Collection method: clinical testing. Allele origin: germline.
Comment: Variant summary: c.3391G>A affects a non-conserved nucleotide, resulting in amino acid change from Asp to Asn. 3/4 in-silico tools predict this variant to be benign (SNPs&GO not captured due to low reliability index). This variant was not found in 121172 control chromosomes. The variant of interest has not, to our knowledge, been reported in affected individuals via publications and/or reputable databases/clinical laboratories, nor was it evaluated for the functional impact by in vivo/vitro studies. Due to the absence of clinical information and lack of functional studies, the variant was classified as a variant of uncertain significance (VUS) until additional information becomes available.

NM_007294.4(BRCA1):c.3391G>A (p.Asp1131Asn)

Genes: BRCA1 (BRCA1 DNA repair associated; minus strand), LOC126862571 (BRD4-independent group 4 enhancer GRCh37_chr17:41243136-41244335; plus strand). Cytogenetic location: 17q21.31.
Variant type: single nucleotide variant.
Coding change: c.3391G>A on transcript NM_007294.4 (MANE Select); coding-DNA position 3391, G replaced by A.
Protein change: p.Asp1131Asn; replaces aspartic acid 1131 with asparagine.
Molecular consequence: missense variant. On other transcripts: intron variant (135), splice acceptor variant (2).
Genome position (GRCh38, 1-based): chr17:43,092,140, C>T on the plus strand (G>A on the coding strand, the complement: BRCA1 is on the minus strand). VCF-style: chr17-43092140-C-T. GRCh37 (hg19) VCF-style: chr17-41244157-C-T.
Other names: c.3178G>A, p.Asp1060Asn (NM_001407571.1, NM_001407853.1, NM_001407894.1 and 9 more transcripts); c.3391G>A, p.Asp1131Asn (NM_001407581.1, NM_001407582.1, NM_001407583.1 and 30 more transcripts); c.3388G>A, p.Asp1130Asn (NM_001407587.1, NM_001407590.1, NM_001407591.1 and 22 more transcripts); c.3382G>A, p.Asp1128Asn (NM_001407646.1, NM_001407647.1); c.3268G>A, p.Asp1090Asn (NM_001407648.1, NM_001407664.1, NM_001407665.1 and 19 more transcripts); c.3265G>A, p.Asp1089Asn (NM_001407649.1, NM_001407670.1, NM_001407671.1 and 11 more transcripts); c.3313G>A, p.Asp1105Asn (NM_001407653.1, NM_001407654.1, NM_001407655.1 and 4 more transcripts); c.3310G>A, p.Asp1104Asn (NM_001407659.1, NM_001407660.1, NM_001407661.1 and 1 more transcripts); and 41 more; short protein forms D1131N, D1084N, D1004N, D1064N, D1089N, D1105N, D1042N, D1043N.
Identifiers: ClinVar variation 496366 (VCV000496366.23), dbSNP rs1555587816, ClinGen allele CA10595197.